The following is an entry in ClinVar:

NM_000018.4(ACADVL):c.477+1G>A

Gene: ACADVL (acyl-CoA dehydrogenase very long chain; plus strand). Cytogenetic location: 17p13.1.
Variant type: single nucleotide variant.
Coding change: c.477+1G>A on transcript NM_000018.4 (MANE Select); the canonical splice donor site of the intron after coding-DNA position 477, G replaced by A.
Molecular consequence: splice donor variant.
Genome position (GRCh38, 1-based): chr17:7,221,059, G>A. VCF-style: chr17-7221059-G-A. GRCh37 (hg19) VCF-style: chr17-7124378-G-A.
Other names: c.546+1G>A (NM_001270447.2); c.249+1G>A (NM_001270448.2); c.411+1G>A (NM_001033859.3).
Identifiers: ClinVar variation 2912909 (VCV002912909.3), dbSNP rs2142969951, ClinGen allele CA397722983.

ClinVar aggregate classification (germline): Likely pathogenic (1 of 4 stars; one submission).

Conditions:
Very long chain acyl-CoA dehydrogenase deficiency (ACADVLD). Also called: Very Long-Chain Acyl-Coenzyme A Dehydrogenase Deficiency; VLCAD Deficiency. Identifiers: Orphanet 26793, MedGen C3887523, MONDO:0008723, OMIM 201475.

gnomAD v4.1: 2 of 1,613,356 alleles (0.00012%); highest among the groups gnomAD compares: South Asian, 0.0022%; no homozygotes.

Submission:

Labcorp Genetics (formerly Invitae), Labcorp
Classification: Likely pathogenic for Very long chain acyl-CoA dehydrogenase deficiency. Last evaluated: 2023-09-24. Review status: criteria provided, single submitter. Criteria: Invitae Variant Classification Sherloc (09022015). Collection method: clinical testing. Allele origin: germline.
Comment: This sequence change affects a donor splice site in intron 6 of the ACADVL gene. It is expected to disrupt RNA splicing. Variants that disrupt the donor or acceptor splice site typically lead to a loss of protein function (PMID: 16199547), and loss-of-function variants in ACADVL are known to be pathogenic (PMID: 9973285, 11590124). This variant is not present in population databases (gnomAD no frequency). Disruption of this splice site has been observed in individual(s) with very long chain acyl-CoA dehydrogenase deficiency (PMID: 30194637). Algorithms developed to predict the effect of sequence changes on RNA splicing suggest that this variant may disrupt the consensus splice site. In summary, the currently available evidence indicates that the variant is pathogenic, but additional data are needed to prove that conclusively. Therefore, this variant has been classified as Likely Pathogenic.

Literature cited by the submitters: PubMed 16199547; PubMed 9973285; PubMed 11590124; PubMed 30194637.